The following is an entry in ClinVar:

ClinVar aggregate classification (germline): Likely benign. Review status: criteria provided, multiple submitters, no conflicts (2 of 4 stars). 3 submissions from 3 submitters: Likely benign (3). Last evaluated 2026-06-01.

Allele frequency attached by ClinVar (database versions not stated): ExAC 0.00006; gnomAD 0.00007; TOPMed 0.00007; gnomAD exomes 0.00008; ESP Exome Variant Server 0.00015.
gnomAD v4.1: 125 of 1,614,068 alleles (0.0077%); highest among the groups gnomAD compares: Admixed American, 0.018%; no homozygotes.

Submissions (3):

CeGaT Center for Human Genetics Tuebingen
Classification: Likely benign. Last evaluated: 2026-06-01. Review status: criteria provided, single submitter. Criteria: CeGaT Center For Human Genetics Tuebingen Variant Classification Criteria Version 2. Collection method: clinical testing. Allele origin: germline. Affected: yes. Observed: 2 variant alleles.
Comment: CIT: BP4, BP7

Labcorp Genetics (formerly Invitae), Labcorp
Classification: Likely benign. Last evaluated: 2024-11-27. Review status: criteria provided, single submitter. Criteria: Invitae Variant Classification Sherloc (09022015). Collection method: clinical testing. Allele origin: germline.

Blueprint Genetics
Classification: Likely benign. Last evaluated: 2022-06-09. Review status: criteria provided, single submitter. Criteria: ACMG Guidelines, 2015. Collection method: clinical testing. Allele origin: germline.

NM_001206999.2(CIT):c.3048C>T (p.Leu1016=)

Gene: CIT (citron rho-interacting serine/threonine kinase; minus strand). Cytogenetic location: 12q24.23.
Variant type: single nucleotide variant.
Coding change: c.3048C>T on transcript NM_001206999.2 (MANE Select); coding-DNA position 3048, C replaced by T.
Protein change: p.Leu1016=; no amino-acid change (leucine 1016 retained).
Molecular consequence: synonymous variant.
Genome position (GRCh38, 1-based): chr12:119,735,268, G>A on the plus strand (C>T on the coding strand, the complement: CIT is on the minus strand). VCF-style: chr12-119735268-G-A. GRCh37 (hg19) VCF-style: chr12-120173073-G-A.
Other names: c.2922C>T, p.Leu974= (NM_007174.3).
Identifiers: ClinVar variation 2157282 (VCV002157282.7), dbSNP rs150564429, ClinGen allele CA6821616.